The following is an entry in ClinVar:

NM_024685.4(BBS10):c.1365T>G (p.Tyr455Ter)

Gene: BBS10 (Bardet-Biedl syndrome 10; minus strand). Cytogenetic location: 12q21.2.
Variant type: single nucleotide variant.
Coding change: c.1365T>G on transcript NM_024685.4 (MANE Select); coding-DNA position 1365, T replaced by G.
Protein change: p.Tyr455Ter; replaces tyrosine 455 with a stop codon.
Molecular consequence: nonsense.
Genome position (GRCh38, 1-based): chr12:76,346,620, A>C on the plus strand (T>G on the coding strand, the complement: BBS10 is on the minus strand). VCF-style: chr12-76346620-A-C. GRCh37 (hg19) VCF-style: chr12-76740400-A-C.
Other names: short protein forms Y455*.
Identifiers: ClinVar variation 1029918 (VCV001029918.5), dbSNP rs778731343, ClinGen allele CA385811330.
Genomic context (GRCh38, chr12:76,346,620, plus strand): 5'-CTCTGCAACTGTGTCCTGATAAGGCCTTTGTATTGAGCCATTACCAGGATCTGGTGCTTG[A>C]TAACTTTCTCCACTGTTCTTATAAATAAAAAGACTTGAAGTGCCATTTTGGTCATTGGTT-3'

ClinVar aggregate classification (germline): Pathogenic. Review status: criteria provided, multiple submitters, no conflicts (2 of 4 stars). 2 submissions from 2 submitters: Pathogenic (2). Last evaluated 2022-06-13.

Conditions:
Bardet-Biedl syndrome (BBS). Identifiers: Orphanet 110, MedGen C0752166, MONDO:0015229.
Bardet-Biedl syndrome 10 (BBS10). Identifiers: Orphanet 110, MedGen C1859568, MONDO:0014438, OMIM 615987.

Submissions (2):

Labcorp Genetics (formerly Invitae), Labcorp
Classification: Pathogenic for Bardet-Biedl syndrome. Last evaluated: 2022-06-13. Review status: criteria provided, single submitter. Criteria: Invitae Variant Classification Sherloc (09022015). Collection method: clinical testing. Allele origin: germline.
Comment: For these reasons, this variant has been classified as Pathogenic. This variant disrupts a region of the BBS10 protein in which other variant(s) (p.Val707*) have been determined to be pathogenic (PMID: 20472660, 22773737, 25982971, 27486776). This suggests that this is a clinically significant region of the protein, and that variants that disrupt it are likely to be disease-causing. ClinVar contains an entry for this variant (Variation ID: 1029918). This premature translational stop signal has been observed in individual(s) with Bardet-Biedl syndrome (PMID: 22353939). This variant is not present in population databases (gnomAD no frequency). This sequence change creates a premature translational stop signal (p.Tyr455*) in the BBS10 gene. While this is not anticipated to result in nonsense mediated decay, it is expected to disrupt the last 269 amino acid(s) of the BBS10 protein.

Baylor Genetics
Classification: Pathogenic for Bardet-Biedl syndrome 10. Last evaluated: 2020-02-19. Review status: criteria provided, single submitter. Criteria: ACMG Guidelines, 2015. Collection method: clinical testing. Allele origin: unknown. Affected: yes.
Comment: This variant was determined to be pathogenic according to ACMG Guidelines, 2015 [PMID:25741868].

Literature cited by the submitters: PubMed 20472660 (cited by Labcorp Genetics (formerly Invitae), Labcorp); PubMed 22773737 (cited by Labcorp Genetics (formerly Invitae), Labcorp); PubMed 25982971 (cited by Labcorp Genetics (formerly Invitae), Labcorp); PubMed 27486776 (cited by Labcorp Genetics (formerly Invitae), Labcorp); PubMed 22353939 (cited by Labcorp Genetics (formerly Invitae), Labcorp).